The following is an entry in ClinVar:

NM_001205293.3(CACNA1E):c.1215C>A (p.Ser405=)

Gene: CACNA1E (calcium voltage-gated channel subunit alpha1 E; plus strand). Cytogenetic location: 1q25.3.
Variant type: single nucleotide variant.
Coding change: c.1215C>A on transcript NM_001205293.3 (MANE Select); coding-DNA position 1215, C replaced by A.
Protein change: p.Ser405=; no amino-acid change (serine 405 retained).
Molecular consequence: synonymous variant.
Genome position (GRCh38, 1-based): chr1:181,715,381, C>A. VCF-style: chr1-181715381-C-A. GRCh37 (hg19) VCF-style: chr1-181684517-C-A.
Other names: c.1215C>A, p.Ser405= (NM_000721.4, NM_001205294.2).
Identifiers: ClinVar variation 1176523 (VCV001176523.44), dbSNP rs35265801, ClinGen allele CA1275069.

ClinVar aggregate classification (germline): Benign/Likely benign. Review status: criteria provided, multiple submitters, no conflicts (2 of 4 stars). 6 submissions from 6 submitters: Benign (3); Likely benign (2). 1 of the submissions does not count toward it. Last evaluated 2026-09-01.

Conditions:
Developmental and epileptic encephalopathy, 69. Also called: EPILEPTIC ENCEPHALOPATHY, EARLY INFANTILE, 69. Identifiers: MedGen C4748988, MONDO:0032657, OMIM 618285.
CACNA1E-related disorder. Also called: CACNA1E-related condition.

Allele frequency attached by ClinVar (database versions not stated): 1000 Genomes Project 30x 0.00062; 1000 Genomes Project 0.00080; ESP Exome Variant Server 0.00092.
gnomAD v4.1: 1,428 of 1,592,062 alleles (0.09%); highest among the groups gnomAD compares: Non-Finnish European, 0.11%; 1 homozygote.

Submissions (6):

CeGaT Center for Human Genetics Tuebingen
Classification: Likely benign. Last evaluated: 2026-09-01. Review status: criteria provided, single submitter. Criteria: CeGaT Center For Human Genetics Tuebingen Variant Classification Criteria Version 2. Collection method: clinical testing. Allele origin: germline. Affected: yes. Observed: 14 variant alleles.
Comment: CACNA1E: BP4, BP7, BS1

Labcorp Genetics (formerly Invitae), Labcorp
Classification: Benign. Last evaluated: 2026-01-22. Review status: criteria provided, single submitter. Criteria: Invitae Variant Classification Sherloc (09022015). Collection method: clinical testing. Allele origin: germline.

Blueprint Genetics
Classification: Likely benign. Last evaluated: 2024-11-19. Review status: criteria provided, single submitter. Criteria: ACMG Guidelines, 2015. Collection method: clinical testing. Allele origin: germline.

Genome-Nilou Lab
Classification: Benign for Developmental and epileptic encephalopathy, 69. Last evaluated: 2023-04-11. Review status: criteria provided, single submitter. Criteria: ACMG Guidelines, 2015. Collection method: clinical testing. Allele origin: germline. Affected: no.

GeneDx
Classification: Benign. Last evaluated: 2021-04-11. Review status: criteria provided, single submitter. Criteria: GeneDx Variant Classification Process June 2021. Collection method: clinical testing. Allele origin: germline. Affected: yes.

PreventionGenetics, part of Exact Sciences
Classification: Likely benign for CACNA1E-related condition. Last evaluated: 2024-08-07. Review status: no assertion criteria provided. Collection method: clinical testing. Allele origin: germline. Not counted in ClinVar's aggregate classification.
Comment: This variant is classified as likely benign based on ACMG/AMP sequence variant interpretation guidelines (Richards et al. 2015 PMID: 25741868, with internal and published modifications).